The following is an entry in ClinVar:

NM_015338.6(ASXL1):c.1648A>G (p.Asn550Asp)

Gene: ASXL1 (ASXL transcriptional regulator 1; plus strand). Cytogenetic location: 20q11.21.
Variant type: single nucleotide variant.
Coding change: c.1648A>G on transcript NM_015338.6 (MANE Select); coding-DNA position 1648, A replaced by G.
Protein change: p.Asn550Asp; replaces asparagine 550 with aspartic acid.
Molecular consequence: missense variant.
Genome position (GRCh38, 1-based): chr20:32,433,846, A>G. VCF-style: chr20-32433846-A-G. GRCh37 (hg19) VCF-style: chr20-31021649-A-G.
Other names: c.1465A>G, p.Asn489Asp (NM_001363734.1); short protein forms N489D, N550D.
Identifiers: ClinVar variation 1978475 (VCV001978475.5), dbSNP rs2515543569, ClinGen allele CA408557579.
Genomic context (GRCh38, chr20:32,433,846, plus strand): 5'-GCGGCCTCTGCATCCTTTCCCGAAAAGAAGCCCCGGCTTGAAGATCGTCAGTCCTTTCGT[A>G]ACACAATTGAAAGTGTTCACACCGAAAAGCCACAGCCCACTAAAGAGGAGCCCAAAGTCC-3'
Protein context (NP_056153.2, residues 540-560): PRLEDRQSFR[Asn550Asp]TIESVHTEKP

ClinVar aggregate classification (germline): Conflicting classifications of pathogenicity. Review status: criteria provided, conflicting classifications (1 of 4 stars). 2 submissions from 2 submitters: Uncertain significance (1); Likely benign (1). Last evaluated 2024-11-26.

Conditions:
Inborn genetic diseases. Identifiers: MedGen C0950123, MeSH D030342.

Allele frequency attached by ClinVar (database versions not stated): gnomAD exomes below 0.00001.
gnomAD v4.1: 2 of 1,614,020 alleles (0.00012%); highest among the groups gnomAD compares: South Asian, 0.0011%; no homozygotes.

Submissions (2):

Ambry Genetics
Classification: Uncertain significance for Inborn genetic diseases. Last evaluated: 2024-11-26. Review status: criteria provided, single submitter. Criteria: Ambry Variant Classification Scheme 2023. Collection method: clinical testing. Allele origin: germline.
Comment: The p.N550D variant (also known as c.1648A>G), located in coding exon 12 of the ASXL1 gene, results from an A to G substitution at nucleotide position 1648. The asparagine at codon 550 is replaced by aspartic acid, an amino acid with highly similar properties. This amino acid position is conserved. In addition, this alteration is predicted to be tolerated by in silico analysis. Based on the available evidence, the clinical significance of this variant remains unclear.

Labcorp Genetics (formerly Invitae), Labcorp
Classification: Likely benign. Last evaluated: 2022-08-23. Review status: criteria provided, single submitter. Criteria: Invitae Variant Classification Sherloc (09022015). Collection method: clinical testing. Allele origin: germline.